The following is an entry in ClinVar:

NM_170606.3(KMT2C):c.12522C>T (p.Ser4174=)

Gene: KMT2C (lysine methyltransferase 2C; minus strand). Cytogenetic location: 7q36.1.
Variant type: single nucleotide variant.
Coding change: c.12522C>T on transcript NM_170606.3 (MANE Select); coding-DNA position 12522, C replaced by T.
Protein change: p.Ser4174=; no amino-acid change (serine 4174 retained).
Molecular consequence: synonymous variant.
Genome position (GRCh38, 1-based): chr7:152,152,709, G>A on the plus strand (C>T on the coding strand, the complement: KMT2C is on the minus strand). VCF-style: chr7-152152709-G-A. GRCh37 (hg19) VCF-style: chr7-151849794-G-A.
Identifiers: ClinVar variation 1445181 (VCV001445181.8), dbSNP rs144917680, ClinGen allele CA4578787.

ClinVar aggregate classification (germline): Benign/Likely benign. Review status: criteria provided, multiple submitters, no conflicts (2 of 4 stars). 2 submissions from 2 submitters: Benign (1); Likely benign (1). Last evaluated 2026-07-01.

Allele frequency attached by ClinVar (database versions not stated): gnomAD 0.00011 and 0.00012; TOPMed 0.00012; 1000 Genomes Project 0.00040; 1000 Genomes Project 30x 0.00047; gnomAD exomes 0.00004 and 0.00008; ExAC 0.00007; ESP Exome Variant Server 0.00008.
gnomAD v4.1: 84 of 1,613,850 alleles (0.0052%); highest among the groups gnomAD compares: Middle Eastern, 0.18%; 2 homozygotes.

Submissions (2):

CeGaT Center for Human Genetics Tuebingen
Classification: Likely benign. Last evaluated: 2026-07-01. Review status: criteria provided, single submitter. Criteria: CeGaT Center For Human Genetics Tuebingen Variant Classification Criteria Version 2. Collection method: clinical testing. Allele origin: germline. Affected: yes. Observed: 1 variant allele.
Comment: KMT2C: BP4, BS2

Labcorp Genetics (formerly Invitae), Labcorp
Classification: Benign. Last evaluated: 2025-10-02. Review status: criteria provided, single submitter. Criteria: Invitae Variant Classification Sherloc (09022015). Collection method: clinical testing. Allele origin: germline.